The following is an entry in ClinVar:

ClinVar aggregate classification (germline): Conflicting classifications of pathogenicity. Review status: criteria provided, conflicting classifications (1 of 4 stars). 2 submissions from 2 submitters: Uncertain significance (1); Likely benign (1). Last evaluated 2024-11-05.

Conditions:
Spastic paraplegia. Identifiers: MedGen C0037772, HP:0001258.

Allele frequency attached by ClinVar (database versions not stated): gnomAD 0.00001; gnomAD exomes 0.00001.

Submissions (2):

Athena Diagnostics
Classification: Uncertain significance. Last evaluated: 2024-11-05. Review status: criteria provided, single submitter. Criteria: Athena Diagnostics Criteria. Collection method: clinical testing. Allele origin: unknown.
Comment: Available data are insufficient to determine the clinical significance of the variant at this time. The frequency of this variant in the general population is uninformative in assessment of its pathogenicity. Polyphen and MutationTaster yielded discordant predictions regarding whether this amino acid change is damaging to the protein.

Labcorp Genetics (formerly Invitae), Labcorp
Classification: Likely benign for Spastic paraplegia. Last evaluated: 2023-01-07. Review status: criteria provided, single submitter. Criteria: Invitae Variant Classification Sherloc (09022015). Collection method: clinical testing. Allele origin: germline.

NM_014363.6(SACS):c.511G>A (p.Gly171Ser)

Gene: SACS (sacsin molecular chaperone; minus strand). Cytogenetic location: 13q12.12.
Variant type: single nucleotide variant.
Coding change: c.511G>A on transcript NM_014363.6 (MANE Select); coding-DNA position 511, G replaced by A.
Protein change: p.Gly171Ser; replaces glycine 171 with serine.
Molecular consequence: missense variant.
Genome position (GRCh38, 1-based): chr13:23,358,428, C>T on the plus strand (G>A on the coding strand, the complement: SACS is on the minus strand). VCF-style: chr13-23358428-C-T. GRCh37 (hg19) VCF-style: chr13-23932567-C-T.
Other names: c.70G>A, p.Gly24Ser (NM_001278055.2); c.511G>A (NM_014363.4); short protein forms G171S, G24S.
Identifiers: ClinVar variation 2887177 (VCV002887177.4), dbSNP rs1376756373, ClinGen allele CA387552076.